The following is an entry in ClinVar:

NM_002474.3(MYH11):c.188T>A (p.Val63Glu)

Gene: MYH11 (myosin heavy chain 11; minus strand). Cytogenetic location: 16p13.11.
Variant type: single nucleotide variant.
Coding change: c.188T>A on transcript NM_002474.3 (MANE Select); coding-DNA position 188, T replaced by A.
Protein change: p.Val63Glu; replaces valine 63 with glutamic acid.
Molecular consequence: missense variant.
Genome position (GRCh38, 1-based): chr16:15,838,065, A>T on the plus strand (T>A on the coding strand, the complement: MYH11 is on the minus strand). VCF-style: chr16-15838065-A-T. GRCh37 (hg19) VCF-style: chr16-15931922-A-T.
Other names: c.188T>A, p.Val63Glu (NM_001040113.2, NM_001040114.2, NM_022844.3); short protein forms V63E.
Identifiers: ClinVar variation 4753460 (VCV004753460.1).

ClinVar aggregate classification (germline): Uncertain significance (1 of 4 stars; one submission).

Conditions:
Aortic aneurysm, familial thoracic 4 (AAT4). Also called: AORTIC ANEURYSM/AORTIC DISSECTION AND PATENT DUCTUS ARTERIOSUS. Identifiers: MedGen C1851504, MONDO:0007568, OMIM 132900.

gnomAD v4.1: 1 of 1,613,876 alleles (0.000062%); highest among the groups gnomAD compares: Non-Finnish European, 0.000085%; no homozygotes.

Submission:

Labcorp Genetics (formerly Invitae), Labcorp
Classification: Uncertain significance for Aortic aneurysm, familial thoracic 4. Last evaluated: 2025-11-11. Review status: criteria provided, single submitter. Criteria: Invitae Variant Classification Sherloc (09022015). Collection method: clinical testing. Allele origin: germline.
Comment: This sequence change replaces valine, which is neutral and non-polar, with glutamic acid, which is acidic and polar, at codon 63 of the MYH11 protein (p.Val63Glu). This variant is not present in population databases (gnomAD no frequency). This variant has not been reported in the literature in individuals affected with MYH11-related conditions. Invitae Evidence Modeling of protein sequence and biophysical properties (such as structural, functional, and spatial information, amino acid conservation, physicochemical variation, residue mobility, and thermodynamic stability) indicates that this missense variant is not expected to disrupt MYH11 protein function with a negative predictive value of 95%. In summary, the available evidence is currently insufficient to determine the role of this variant in disease. Therefore, it has been classified as a Variant of Uncertain Significance.